The following is an entry in ClinVar:

ClinVar aggregate classification (germline): Uncertain significance (1 of 4 stars; one submission).

Submission:

CeGaT Center for Human Genetics Tuebingen
Classification: Uncertain significance. Last evaluated: 2023-06-01. Review status: criteria provided, single submitter. Criteria: CeGaT Center For Human Genetics Tuebingen Variant Classification Criteria Version 2. Collection method: clinical testing. Allele origin: germline. Affected: yes. Observed: 1 variant allele.
Comment: KCNC3: PM2

NM_004977.3(KCNC3):c.170_172delinsT (p.Ala57fs)

Gene: KCNC3 (potassium voltage-gated channel subfamily C member 3; minus strand). Cytogenetic location: 19q13.33.
Variant type: Indel.
Coding change: c.170_172delinsT on transcript NM_004977.3 (MANE Select); coding-DNA positions 170 to 172, CAC replaced by T.
Protein change: p.Ala57fs; shifts the reading frame from alanine 57.
Molecular consequence: frameshift variant. On other transcripts: 5 prime UTR variant (1).
Genome position (GRCh38, 1-based): chr19:50,328,911-50,328,913, GTG replaced by A on the plus strand (CAC replaced by T on the coding strand, the reverse complement: KCNC3 is on the minus strand). VCF-style: chr19-50328911-GTG-A. GRCh37 (hg19) VCF-style: chr19-50832168-GTG-A.
Other names: c.-59_-57delinsT (NM_001372305.1); short protein forms A57fs.
Identifiers: ClinVar variation 2650328 (VCV002650328.24), dbSNP rs2513804489, ClinGen allele CA2695201362.